The following is an entry in ClinVar:

NM_004329.3(BMPR1A):c.1453A>G (p.Asn485Asp)

Gene: BMPR1A (bone morphogenetic protein receptor type 1A; plus strand). Cytogenetic location: 10q23.2.
Variant type: single nucleotide variant.
Coding change: c.1453A>G on transcript NM_004329.3 (MANE Select); coding-DNA position 1453, A replaced by G.
Protein change: p.Asn485Asp; replaces asparagine 485 with aspartic acid.
Molecular consequence: missense variant. On other transcripts: non-coding transcript variant (3).
Genome position (GRCh38, 1-based): chr10:86,923,486, A>G. VCF-style: chr10-86923486-A-G. GRCh37 (hg19) VCF-style: chr10-88683243-A-G.
Other names: c.1453A>G, p.Asn485Asp (NM_001406579.1, NM_001406580.1, NM_001406561.1 and 19 more transcripts); c.1528A>G, p.Asn510Asp (NM_001406559.1); c.1501A>G, p.Asn501Asp (NM_001406560.1); c.1111A>G, p.Asn371Asp (NM_001406589.1); c.1447A>G, p.Asn483Asp (NM_001406583.1); c.1369A>G, p.Asn457Asp (NM_001406584.1, NM_001406585.1, NM_001406586.1 and 2 more transcripts); short protein forms N483D, N501D, N371D, N457D, N485D, N510D.
Identifiers: ClinVar variation 4717882 (VCV004717882.1).

ClinVar aggregate classification (germline): Uncertain significance (1 of 4 stars; one submission).

Conditions:
Juvenile polyposis syndrome (JPS). Identifiers: Orphanet 2929, MedGen C0345893, MONDO:0017380, OMIM 174900.

Submission:

Labcorp Genetics (formerly Invitae), Labcorp
Classification: Uncertain significance for Juvenile polyposis syndrome. Last evaluated: 2025-04-20. Review status: criteria provided, single submitter. Criteria: Invitae Variant Classification Sherloc (09022015). Collection method: clinical testing. Allele origin: germline.
Comment: This sequence change replaces asparagine, which is neutral and polar, with aspartic acid, which is acidic and polar, at codon 485 of the BMPR1A protein (p.Asn485Asp). This variant is not present in population databases (gnomAD no frequency). This variant has not been reported in the literature in individuals affected with BMPR1A-related conditions. Invitae Evidence Modeling of protein sequence and biophysical properties (such as structural, functional, and spatial information, amino acid conservation, physicochemical variation, residue mobility, and thermodynamic stability) indicates that this missense variant is not expected to disrupt BMPR1A protein function with a negative predictive value of 80%. In summary, the available evidence is currently insufficient to determine the role of this variant in disease. Therefore, it has been classified as a Variant of Uncertain Significance.